The following is an entry in ClinVar:

ClinVar aggregate classification (germline): Uncertain significance (1 of 4 stars; one submission).

Conditions:
Myoclonic epilepsy, juvenile, susceptibility to, 1. Also called: Myoclonic Epilepsy, Juvenile, 1; EJM1. Identifiers: MedGen C1850778, MONDO:0020752, OMIM 254770.
Typical absence seizure. Identifiers: MedGen C5551411, HP:0011147.

Allele frequency attached by ClinVar (database versions not stated): gnomAD exomes below 0.00001 and 0.00003; ExAC 0.00001; gnomAD 0.00002.
gnomAD v4.1: 52 of 1,614,074 alleles (0.0032%); highest among the groups gnomAD compares: Non-Finnish European, 0.0044%; no homozygotes.

Submission:

Labcorp Genetics (formerly Invitae), Labcorp
Classification: Uncertain significance for Myoclonic epilepsy, juvenile, susceptibility to, 1; Absence seizure. Last evaluated: 2021-08-30. Review status: criteria provided, single submitter. Criteria: Invitae Variant Classification Sherloc (09022015). Collection method: clinical testing. Allele origin: germline.
Comment: This variant, c.674C>G, is a complex sequence change that results in the deletion of 3 and insertion of 1 amino acid(s) in the EFHC1 protein (p.Thr225Ser). The frequency data for this variant in the population databases is considered unreliable, as metrics indicate poor data quality at this position in the ExAC database. This variant has not been reported in the literature in individuals affected with EFHC1-related conditions. ClinVar contains an entry for this variant (Variation ID: 1039609). Algorithms developed to predict the effect of missense changes on protein structure and function are either unavailable or do not agree on the potential impact of this missense change (SIFT: "Deleterious"; PolyPhen-2: "Benign"; Align-GVGD: "Class C55"). In summary, the available evidence is currently insufficient to determine the role of this variant in disease. Therefore, it has been classified as a Variant of Uncertain Significance.

NM_018100.4(EFHC1):c.674C>G (p.Thr225Ser)

Gene: EFHC1 (EF-hand domain containing 1; plus strand). Cytogenetic location: 6p12.2.
Variant type: single nucleotide variant.
Coding change: c.674C>G on transcript NM_018100.4 (MANE Select); coding-DNA position 674, C replaced by G.
Protein change: p.Thr225Ser; replaces threonine 225 with serine.
Molecular consequence: missense variant. On other transcripts: non-coding transcript variant (1).
Genome position (GRCh38, 1-based): chr6:52,452,788, C>G. VCF-style: chr6-52452788-C-G. GRCh37 (hg19) VCF-style: chr6-52317586-C-G.
Other names: c.617C>G, p.Thr206Ser (NM_001172420.2); short protein forms T225S, T206S.
Identifiers: ClinVar variation 1039609 (VCV001039609.7), dbSNP rs267601073, ClinGen allele CA3855800.